The following is an entry in ClinVar:

NM_016011.5(MECR):c.586G>A (p.Val196Met)

Gene: MECR (mitochondrial trans-2-enoyl-CoA reductase; minus strand). Cytogenetic location: 1p35.3.
Variant type: single nucleotide variant.
Coding change: c.586G>A on transcript NM_016011.5 (MANE Select); coding-DNA position 586, G replaced by A.
Protein change: p.Val196Met; replaces valine 196 with methionine.
Molecular consequence: missense variant. On other transcripts: non-coding transcript variant (3).
Genome position (GRCh38, 1-based): chr1:29,203,198, C>T on the plus strand (G>A on the coding strand, the complement: MECR is on the minus strand). VCF-style: chr1-29203198-C-T. GRCh37 (hg19) VCF-style: chr1-29529710-C-T.
Other names: c.358G>A, p.Val120Met (NM_001024732.4, NM_001349711.2, NM_001349712.2 and 2 more transcripts); c.691G>A, p.Val231Met (NM_001349715.2); c.670G>A, p.Val224Met (NM_001349716.2); c.436G>A, p.Val146Met (NM_001349717.2); short protein forms V120M, V146M, V196M, V224M, V231M.
Identifiers: ClinVar variation 2638587 (VCV002638587.24), dbSNP rs1490783454, ClinGen allele CA339542784.

ClinVar aggregate classification (germline): Uncertain significance (1 of 4 stars; one submission).

Submission:

CeGaT Center for Human Genetics Tuebingen
Classification: Uncertain significance. Last evaluated: 2023-07-01. Review status: criteria provided, single submitter. Criteria: CeGaT Center For Human Genetics Tuebingen Variant Classification Criteria Version 2. Collection method: clinical testing. Allele origin: germline. Affected: yes. Observed: 1 variant allele.
Comment: MECR: PM2